The following is an entry in ClinVar:

NM_001127898.4(CLCN5):c.1162G>A (p.Glu388Lys)

Gene: CLCN5 (chloride voltage-gated channel 5; plus strand). Cytogenetic location: Xp11.23.
Variant type: single nucleotide variant.
Coding change: c.1162G>A on transcript NM_001127898.4 (MANE Select); coding-DNA position 1162, G replaced by A.
Protein change: p.Glu388Lys; replaces glutamic acid 388 with lysine.
Molecular consequence: missense variant.
Genome position (GRCh38, 1-based): chrX:50,086,475, G>A. VCF-style: chrX-50086475-G-A. GRCh37 (hg19) VCF-style: chrX-49851132-G-A.
Other names: c.952G>A, p.Glu318Lys (NM_000084.5); c.1162G>A, p.Glu388Lys (NM_001127899.4); c.1012G>A, p.Glu338Lys (NM_001282163.2); short protein forms E318K, E338K, E388K.
Identifiers: ClinVar variation 2756282 (VCV002756282.3), dbSNP rs2519433745, ClinGen allele CA413185326.

ClinVar aggregate classification (germline): Uncertain significance (1 of 4 stars; one submission).

Submission:

Labcorp Genetics (formerly Invitae), Labcorp
Classification: Uncertain significance. Last evaluated: 2023-10-23. Review status: criteria provided, single submitter. Criteria: Invitae Variant Classification Sherloc (09022015). Collection method: clinical testing. Allele origin: germline.
Comment: This sequence change replaces glutamic acid, which is acidic and polar, with lysine, which is basic and polar, at codon 318 of the CLCN5 protein (p.Glu318Lys). This variant is not present in population databases (gnomAD no frequency). This variant has not been reported in the literature in individuals affected with CLCN5-related conditions. An algorithm developed to predict the effect of missense changes on protein structure and function (PolyPhen-2) suggests that this variant is likely to be disruptive. In summary, the available evidence is currently insufficient to determine the role of this variant in disease. Therefore, it has been classified as a Variant of Uncertain Significance.